The following is an entry in ClinVar:

ClinVar aggregate classification (germline): Likely benign (1 of 4 stars; one submission).

Conditions:
NAFLD1 (FLD1). Also called: FATTY LIVER DISEASE, SUSCEPTIBILITY TO, 1; Fatty liver disease, nonalcoholic 1. Identifiers: MedGen C2750440, MONDO:0021105, OMIM 613282.

Allele frequency attached by ClinVar (database versions not stated): TOPMed 0.00016; gnomAD 0.00013 and 0.00018; gnomAD exomes 0.00023 and 0.00033; ExAC 0.00037; 1000 Genomes Project 30x 0.00094; 1000 Genomes Project 0.00120.
gnomAD v4.1: 356 of 1,614,250 alleles (0.022%); highest among the groups gnomAD compares: East Asian, 0.78%; 2 homozygotes.

Submission:

Illumina Laboratory Services, Illumina
Classification: Likely benign for NAFLD1. Last evaluated: 2018-01-12. Review status: criteria provided, single submitter. Criteria: ICSL Variant Classification Criteria 13 December 2019. Collection method: clinical testing. Allele origin: germline.
Comment: This variant was observed in the ICSL laboratory as part of a predisposition screen in an ostensibly healthy population. It had not been previously curated by ICSL or reported in the Human Gene Mutation Database (HGMD: prior to June 1st, 2018), and was therefore a candidate for classification through an automated scoring system. Utilizing variant allele frequency, disease prevalence and penetrance estimates, and inheritance mode, an automated score was calculated to assess if this variant is too frequent to cause the disease. Based on the score and internal cut-off values, a variant classified as likely benign is not then subjected to further curation. The score for this variant resulted in a classification of likely benign for this disease.

NM_025225.3(PNPLA3):c.216T>C (p.Leu72=)

Gene: PNPLA3 (patatin like domain 3, 1-acylglycerol-3-phosphate O-acyltransferase; plus strand). Cytogenetic location: 22q13.31.
Variant type: single nucleotide variant.
Coding change: c.216T>C on transcript NM_025225.3 (MANE Select); coding-DNA position 216, T replaced by C.
Protein change: p.Leu72=; no amino-acid change (leucine 72 retained).
Molecular consequence: synonymous variant.
Genome position (GRCh38, 1-based): chr22:43,926,963, T>C. VCF-style: chr22-43926963-T-C. GRCh37 (hg19) VCF-style: chr22-44322843-T-C.
Identifiers: ClinVar variation 341927 (VCV000341927.5), dbSNP rs147412464, ClinGen allele CA10277848.